The following is an entry in ClinVar:

ClinVar aggregate classification (germline): Uncertain significance (1 of 4 stars; one submission).

Conditions:
MOGS-congenital disorder of glycosylation. Also called: CDG IIb; MOGS-CDG; GLUCOSIDASE I DEFICIENCY; CDG 2B. Identifiers: Orphanet 79330, MedGen C1853736, MONDO:0011629, OMIM 606056.

Submission:

Labcorp Genetics (formerly Invitae), Labcorp
Classification: Uncertain significance for MOGS-congenital disorder of glycosylation. Last evaluated: 2022-05-03. Review status: criteria provided, single submitter. Criteria: Invitae Variant Classification Sherloc (09022015). Collection method: clinical testing. Allele origin: germline.
Comment: This sequence change creates a premature translational stop signal (p.Ala834Leufs*21) in the MOGS gene. While this is not anticipated to result in nonsense mediated decay, it is expected to disrupt the last 4 amino acid(s) of the MOGS protein. This variant is present in population databases (no rsID available, gnomAD 0.003%). This variant has not been reported in the literature in individuals affected with MOGS-related conditions. ClinVar contains an entry for this variant (Variation ID: 638889). Experimental studies and prediction algorithms are not available or were not evaluated, and the functional significance of this variant is currently unknown. In summary, the available evidence is currently insufficient to determine the role of this variant in disease. Therefore, it has been classified as a Variant of Uncertain Significance.

NM_006302.3(MOGS):c.2500del (p.Ala834fs)

Gene: MOGS (mannosyl-oligosaccharide glucosidase; minus strand). Cytogenetic location: 2p13.1.
Variant type: Deletion.
Coding change: c.2500del on transcript NM_006302.3 (MANE Select); coding-DNA position 2500, one base deleted (G; older notation c.2500delG).
Protein change: p.Ala834fs; shifts the reading frame from alanine 834.
Molecular consequence: frameshift variant.
Genome position (GRCh38, 1-based): chr2:74,461,289, C deleted on the plus strand (G on the coding strand, the reverse complement: MOGS is on the minus strand); the first of 2 consecutive C bases (chr2:74,461,289-74,461,290); deleting either gives the same sequence. VCF-style (leftmost placement, unchanged base first): chr2-74461288-GC-G. GRCh37 (hg19) VCF-style: chr2-74688415-GC-G.
Other names: c.2182del, p.Ala728fs (NM_001146158.2); short protein forms A834fs, A728fs.
Identifiers: ClinVar variation 638889 (VCV000638889.6), dbSNP rs1296169573, ClinGen allele CA534127512.